The following is an entry in ClinVar:

ClinVar aggregate classification (germline): Pathogenic. Review status: criteria provided, multiple submitters, no conflicts (2 of 4 stars). 2 submissions from 2 submitters: Pathogenic (2). Last evaluated 2026-06-29.

Conditions:
Juvenile polyposis syndrome (JPS). Identifiers: Orphanet 2929, MedGen C0345893, MONDO:0017380, OMIM 174900.
Hereditary cancer-predisposing syndrome. Also called: Neoplastic Syndromes, Hereditary; Hereditary neoplastic syndrome; Hereditary Cancer Syndrome; Tumor predisposition. Identifiers: Orphanet 140162, MedGen C0027672, MeSH D009386, MONDO:0015356.

Submissions (2):

Ambry Genetics
Classification: Pathogenic for Hereditary cancer-predisposing syndrome. Last evaluated: 2026-06-29. Review status: criteria provided, single submitter. Criteria: Ambry Variant Classification Scheme 2023. Collection method: clinical testing. Allele origin: germline.
Comment: The p.Y278* pathogenic mutation (also known as c.834C>A), located in coding exon 7 of the BMPR1A gene, results from a C to A substitution at nucleotide position 834. This changes the amino acid from a tyrosine to a stop codon within coding exon 7. This variant is considered to be rare based on population cohorts in the Genome Aggregation Database (gnomAD). This alteration is expected to result in loss of function by premature protein truncation or nonsense-mediated mRNA decay. As such, this alteration is interpreted as a disease-causing mutation.

Labcorp Genetics (formerly Invitae), Labcorp
Classification: Pathogenic for Juvenile polyposis syndrome. Last evaluated: 2017-06-13. Review status: criteria provided, single submitter. Criteria: Invitae Variant Classification Sherloc (09022015). Collection method: clinical testing. Allele origin: germline.
Comment: While this particular variant has not been reported in the literature, loss-of-function variants in BMPR1A are known to be pathogenic (PMID: 11536076, 12417513). For these reasons, this variant has been classified as Pathogenic. This sequence change creates a premature translational stop signal (p.Tyr278*) in the BMPR1A gene. It is expected to result in an absent or disrupted protein product.

Literature cited by the submitters: PubMed 11536076 (cited by Labcorp Genetics (formerly Invitae), Labcorp); PubMed 12417513 (cited by Labcorp Genetics (formerly Invitae), Labcorp).

NM_004329.3(BMPR1A):c.834C>A (p.Tyr278Ter)

Gene: BMPR1A (bone morphogenetic protein receptor type 1A; plus strand). Cytogenetic location: 10q23.2.
Variant type: single nucleotide variant.
Coding change: c.834C>A on transcript NM_004329.3 (MANE Select); coding-DNA position 834, C replaced by A.
Protein change: p.Tyr278Ter; replaces tyrosine 278 with a stop codon.
Molecular consequence: nonsense.
Genome position (GRCh38, 1-based): chr10:86,917,292, C>A. VCF-style: chr10-86917292-C-A. GRCh37 (hg19) VCF-style: chr10-88677049-C-A.
Other names: short protein forms Y278*.
Identifiers: ClinVar variation 460512 (VCV000460512.9), dbSNP rs1230919713, ClinGen allele CA377458622.
Genomic context (GRCh38, chr10:86,917,292, plus strand): 5'-GGCGGTGAAAGTATTCTTTACCACTGAAGAAGCCAGCTGGTTTCGAGAAACAGAAATCTA[C>A]CAAACTGTGCTAATGCGCCATGAAAACATACTTGGTGGGTACACACTGATTCAGTCAATT-3'